The following is an entry in ClinVar:

ClinVar aggregate classification (germline): Likely benign. Review status: criteria provided, multiple submitters, no conflicts (2 of 4 stars). 3 submissions from 3 submitters: Likely benign (3). Last evaluated 2025-09-02.

Conditions:
CERKL-related disorder. Also called: CERKL-related condition.

Allele frequency attached by ClinVar (database versions not stated): ExAC 0.00002.
gnomAD v4.1: 7 of 1,584,542 alleles (0.00044%); highest among the groups gnomAD compares: Admixed American, 0.012%; no homozygotes.

Submissions (3):

Labcorp Genetics (formerly Invitae), Labcorp
Classification: Likely benign. Last evaluated: 2025-09-02. Review status: criteria provided, single submitter. Criteria: Invitae Variant Classification Sherloc (09022015). Collection method: clinical testing. Allele origin: germline.

PreventionGenetics, part of Exact Sciences
Classification: Likely benign for CERKL-related condition. Last evaluated: 2024-11-15. Review status: criteria provided, single submitter. Criteria: ACMG Guidelines, 2015. Collection method: clinical testing. Allele origin: germline.
Comment: This variant is classified as likely benign based on ACMG/AMP sequence variant interpretation guidelines (Richards et al. 2015 PMID: 25741868, with internal and published modifications).

Blueprint Genetics
Classification: Likely benign. Last evaluated: 2022-03-24. Review status: criteria provided, single submitter. Criteria: ACMG Guidelines, 2015. Collection method: clinical testing. Allele origin: germline.

NM_201548.5(CERKL):c.238+10C>G

Genes: CERKL (CERK like autophagy regulator; minus strand), LOC129935214 (ATAC-STARR-seq lymphoblastoid silent region 12157; plus strand). Cytogenetic location: 2q31.3.
Variant type: single nucleotide variant.
Coding change: c.238+10C>G on transcript NM_201548.5 (MANE Select); 10 bases into the intron after coding-DNA position 238, C replaced by G.
Molecular consequence: intron variant.
Genome position (GRCh38, 1-based): chr2:181,656,759, G>C on the plus strand (C>G on the coding strand, the complement: CERKL is on the minus strand). VCF-style: chr2-181656759-G-C. GRCh37 (hg19) VCF-style: chr2-182521486-G-C.
Other names: c.238+10C>G (NM_001030312.3, NM_001160277.2, NM_001030313.3 and 2 more transcripts).
Identifiers: ClinVar variation 1100693 (VCV001100693.11), dbSNP rs770153403, ClinGen allele CA2010908.